The following is an entry in ClinVar:

ClinVar aggregate classification (germline): Pathogenic (1 of 4 stars; one submission).

Conditions:
Familial thoracic aortic aneurysm and aortic dissection (TAAD). Also called: Thoracic aortic aneurysms and dissections. Identifiers: Orphanet 91387, MedGen C4707243, MONDO:0019625.

Submission:

Ambry Genetics
Classification: Pathogenic for Familial thoracic aortic aneurysm and aortic dissection. Last evaluated: 2026-06-18. Review status: criteria provided, single submitter. Criteria: Ambry Variant Classification Scheme 2023. Collection method: clinical testing. Allele origin: germline.
Comment: The c.2392-2A>C intronic pathogenic mutation results from an A to C substitution two nucleotides upstream from coding exon 35 in the COL3A1 gene. Variants that disrupt the canonical splice site are expected to result in aberrant splicing. In silico splice site analysis predicts that this alteration will weaken the native splice acceptor site. A resulting transcript is predicted to be in-frame and is not expected to trigger nonsense-mediated mRNAdecay; although, direct evidence is unavailable. However, the region predicted to be impacted is critical for protein function (Ambry internal data). This variant is considered to be rare based on population cohorts in the Genome Aggregation Database (gnomAD). This nucleotide position is highly conserved in available vertebrate species. Based on the supporting evidence, this variant is interpreted as a disease-causing mutation.

NM_000090.4(COL3A1):c.2392-2A>C

Genes: COL3A1 (collagen type III alpha 1 chain; plus strand), LOC126806446 (P300/CBP strongly-dependent group 1 enhancer GRCh37_chr2:189866210-189867409; plus strand). Cytogenetic location: 2q32.2.
Variant type: single nucleotide variant.
Coding change: c.2392-2A>C on transcript NM_000090.4 (MANE Select); the canonical splice acceptor site of the intron before coding-DNA position 2392, A replaced by C.
Molecular consequence: splice acceptor variant.
Genome position (GRCh38, 1-based): chr2:189,002,296, A>C. VCF-style: chr2-189002296-A-C. GRCh37 (hg19) VCF-style: chr2-189867022-A-C.
Identifiers: ClinVar variation 519598 (VCV000519598.6), dbSNP rs1553508957, ClinGen allele CA349842571.